The following is an entry in ClinVar:

ClinVar aggregate classification (germline): Likely benign (1 of 4 stars; one submission).

gnomAD v4.1: 1 of 1,211,515 alleles (0.000083%); highest among the groups gnomAD compares: Non-Finnish European, 0.00011%; no homozygotes.

Submission:

GeneDx
Classification: Likely benign. Last evaluated: 2019-10-09. Review status: criteria provided, single submitter. Criteria: GeneDx Variant Classification (06012015). Collection method: clinical testing. Allele origin: germline. Affected: yes.
Comment: This variant is considered likely benign or benign based on one or more of the following criteria: it is a conservative change, it occurs at a poorly conserved position in the protein, it is predicted to be benign by multiple in silico algorithms, and/or has population frequency not consistent with disease.

NM_001008537.3(NEXMIF):c.4228C>T (p.Pro1410Ser)

Gene: NEXMIF (neurite extension and migration factor; minus strand). Cytogenetic location: Xq13.3.
Variant type: single nucleotide variant.
Coding change: c.4228C>T on transcript NM_001008537.3 (MANE Select); coding-DNA position 4228, C replaced by T.
Protein change: p.Pro1410Ser; replaces proline 1410 with serine.
Molecular consequence: missense variant.
Genome position (GRCh38, 1-based): chrX:74,740,329, G>A on the plus strand (C>T on the coding strand, the complement: NEXMIF is on the minus strand). VCF-style: chrX-74740329-G-A. GRCh37 (hg19) VCF-style: chrX-73960164-G-A.
Other names: short protein forms P1410S.
Identifiers: ClinVar variation 393238 (VCV000393238.3), dbSNP rs1057524851, ClinGen allele CA16608587.